The following is an entry in ClinVar:

NM_002637.4(PHKA1):c.2479C>T (p.Arg827Ter)

Gene: PHKA1 (phosphorylase kinase regulatory subunit alpha 1; minus strand). Cytogenetic location: Xq13.1.
Variant type: single nucleotide variant.
Coding change: c.2479C>T on transcript NM_002637.4 (MANE Select); coding-DNA position 2479, C replaced by T.
Protein change: p.Arg827Ter; replaces arginine 827 with a stop codon.
Molecular consequence: nonsense.
Genome position (GRCh38, 1-based): chrX:72,611,075, G>A on the plus strand (C>T on the coding strand, the complement: PHKA1 is on the minus strand). VCF-style: chrX-72611075-G-A. GRCh37 (hg19) VCF-style: chrX-71830925-G-A.
Other names: c.2479C>T, p.Arg827Ter (NM_001122670.2, NM_001431068.1, NM_001440787.1); c.2302C>T, p.Arg768Ter (NM_001172436.2, NM_001440788.1); short protein forms R768*, R827*.
Identifiers: ClinVar variation 4874544 (VCV004874544.2).
Genomic context (GRCh38, chrX:72,611,075, plus strand): 5'-GAATTTATAGTACCTCATCAAGTGCTTCCACTTTCTTCCTTAAGATCCCAGAAATGTATC[G>A]GATCAGGCCCCAGTGACGAATTTCTCCCACTTTGCCATACAGCTCGGTAAGAAGCTCTCT-3'

ClinVar aggregate classification (germline): Pathogenic (1 of 4 stars; one submission).

gnomAD v4.1: 5 of 1,207,181 alleles (0.00041%); highest among the groups gnomAD compares: Non-Finnish European, 0.00056%; no homozygotes.

Submission:

CeGaT Center for Human Genetics Tuebingen
Classification: Pathogenic. Last evaluated: 2026-04-01. Review status: criteria provided, single submitter. Criteria: CeGaT Center For Human Genetics Tuebingen Variant Classification Criteria Version 2. Collection method: clinical testing. Allele origin: germline. Affected: yes. Observed: 1 variant allele.
Comment: PHKA1: PVS1, PM2